The following is an entry in ClinVar:

NM_000059.4(BRCA2):c.3723T>C (p.Phe1241=)

Gene: BRCA2 (BRCA2 DNA repair associated; plus strand). Cytogenetic location: 13q13.1.
Variant type: single nucleotide variant.
Coding change: c.3723T>C on transcript NM_000059.4 (MANE Select); coding-DNA position 3723, T replaced by C.
Protein change: p.Phe1241=; no amino-acid change (phenylalanine 1241 retained).
Molecular consequence: synonymous variant.
Genome position (GRCh38, 1-based): chr13:32,338,078, T>C. VCF-style: chr13-32338078-T-C. GRCh37 (hg19) VCF-style: chr13-32912215-T-C.
Identifiers: ClinVar variation 824126 (VCV000824126.15), dbSNP rs587782723, ClinGen allele CA483437754.

ClinVar aggregate classification (germline): Likely benign. Review status: criteria provided, multiple submitters, no conflicts (2 of 4 stars). 4 submissions from 4 submitters: Likely benign (4). Last evaluated 2025-01-11.

Conditions:
Hereditary cancer-predisposing syndrome. Also called: Neoplastic Syndromes, Hereditary; Hereditary Cancer Syndrome; Hereditary neoplastic syndrome; Tumor predisposition. Identifiers: Orphanet 140162, MedGen C0027672, MeSH D009386, MONDO:0015356.
Hereditary breast ovarian cancer syndrome. Also called: Hereditary breast and ovarian cancer syndrome (HBOC); BRCA1- and BRCA2-Associated Hereditary Breast and Ovarian Cancer; Hereditary breast and ovarian cancer syndrome; Breast and ovarian cancer; Hereditary breast and/or ovarian cancer syndrome; Hereditary breast and ovarian cancer. Identifiers: Orphanet 145, MedGen C0677776, MeSH D061325, MONDO:0003582. Disease mechanism: loss of function.
Breast-ovarian cancer, familial, susceptibility to, 2 (BROVCA2). Also called: BRCA2 Hereditary Breast and Ovarian Cancer. Identifiers: Orphanet 145, MedGen C2675520, MONDO:0012933, OMIM 612555. Disease mechanism: loss of function.

Allele frequency attached by ClinVar (database versions not stated): gnomAD exomes below 0.00001.
gnomAD v4.1: 3 of 1,611,474 alleles (0.00019%); highest among the groups gnomAD compares: South Asian, 0.0022%; no homozygotes.

Submissions (4):

Labcorp Genetics (formerly Invitae), Labcorp
Classification: Likely benign for Hereditary breast ovarian cancer syndrome. Last evaluated: 2025-01-11. Review status: criteria provided, single submitter. Criteria: Invitae Variant Classification Sherloc (09022015). Collection method: clinical testing. Allele origin: germline.

All of Us Research Program, National Institutes of Health
Classification: Likely benign for Breast-ovarian cancer, familial, susceptibility to, 2. Last evaluated: 2023-07-07. Review status: criteria provided, single submitter. Criteria: ACMG Guidelines, 2015. Collection method: clinical testing. Allele origin: germline. Inheritance: Autosomal dominant inheritance. Observed: 1 variant allele, 1 heterozygote.
Comment: This study involves interpretation of variants in research participants for the purpose of population health screening. Participant phenotype was not available at the time of variant classification. Additional details can be found in publication PMID: 35346344, PMCID: PMC8962531

Ambry Genetics
Classification: Likely benign for Hereditary cancer-predisposing syndrome. Last evaluated: 2019-11-28. Review status: criteria provided, single submitter. Criteria: Ambry Variant Classification Scheme 2023. Collection method: clinical testing. Allele origin: germline.

Color Diagnostics, LLC DBA Color Health
Classification: Likely benign for Hereditary cancer-predisposing syndrome. Last evaluated: 2019-03-12. Review status: criteria provided, single submitter. Criteria: ACMG Guidelines, 2015. Collection method: clinical testing. Allele origin: germline.